The following is an entry in ClinVar:

NM_004958.4(MTOR):c.699G>T (p.Trp233Cys)

Gene: MTOR (mechanistic target of rapamycin kinase; minus strand). Cytogenetic location: 1p36.22.
Variant type: single nucleotide variant.
Coding change: c.699G>T on transcript NM_004958.4 (MANE Select); coding-DNA position 699, G replaced by T.
Protein change: p.Trp233Cys; replaces tryptophan 233 with cysteine.
Molecular consequence: missense variant. On other transcripts: 5 prime UTR variant (1).
Genome position (GRCh38, 1-based): chr1:11,255,998, C>A on the plus strand (G>T on the coding strand, the complement: MTOR is on the minus strand). VCF-style: chr1-11255998-C-A. GRCh37 (hg19) VCF-style: chr1-11316055-C-A.
Other names: c.699G>T, p.Trp233Cys (NM_001386500.1); c.-441G>T (NM_001386501.1); short protein forms W233C.
Identifiers: ClinVar variation 1511708 (VCV001511708.8), dbSNP rs1306389306, ClinGen allele CA338402624.

ClinVar aggregate classification (germline): Uncertain significance (1 of 4 stars; one submission).

Allele frequency attached by ClinVar (database versions not stated): gnomAD exomes below 0.00001 and 0.00001; gnomAD 0.00001.

Submission:

Labcorp Genetics (formerly Invitae), Labcorp
Classification: Uncertain significance. Last evaluated: 2024-08-11. Review status: criteria provided, single submitter. Criteria: Invitae Variant Classification Sherloc (09022015). Collection method: clinical testing. Allele origin: germline.
Comment: This sequence change replaces tryptophan, which is neutral and slightly polar, with cysteine, which is neutral and slightly polar, at codon 233 of the MTOR protein (p.Trp233Cys). This variant is present in population databases (no rsID available, gnomAD 0.002%). This variant has not been reported in the literature in individuals affected with MTOR-related conditions. ClinVar contains an entry for this variant (Variation ID: 1511708). Advanced modeling of protein sequence and biophysical properties (such as structural, functional, and spatial information, amino acid conservation, physicochemical variation, residue mobility, and thermodynamic stability) performed at Invitae indicates that this missense variant is not expected to disrupt MTOR protein function with a negative predictive value of 95%. In summary, the available evidence is currently insufficient to determine the role of this variant in disease. Therefore, it has been classified as a Variant of Uncertain Significance.